The following is an entry in ClinVar:

NM_020822.3(KCNT1):c.3177+16G>A

Gene: KCNT1 (potassium sodium-activated channel subfamily T member 1; plus strand). Cytogenetic location: 9q34.3.
Variant type: single nucleotide variant.
Coding change: c.3177+16G>A on transcript NM_020822.3 (MANE Select); 16 bases into the intron after coding-DNA position 3177, G replaced by A.
Molecular consequence: intron variant.
Genome position (GRCh38, 1-based): chr9:135,785,346, G>A. VCF-style: chr9-135785346-G-A. GRCh37 (hg19) VCF-style: chr9-138677192-G-A.
Other names: c.3042+16G>A (NM_001272003.2).
Identifiers: ClinVar variation 390780 (VCV000390780.10), dbSNP rs749539780, ClinGen allele CA5327666.

ClinVar aggregate classification (germline): Likely benign. Review status: criteria provided, multiple submitters, no conflicts (2 of 4 stars). 4 submissions from 3 submitters: Likely benign (4). Last evaluated 2026-02-03.

Conditions:
Developmental and epileptic encephalopathy, 14 (DEE14). Also called: Early infantile epileptic encephalopathy 14. Identifiers: Orphanet 293181, MedGen C3554195, MONDO:0013989, OMIM 614959.
Autosomal dominant nocturnal frontal lobe epilepsy 5. Also called: KCNT1-Related Epilepsy; CILIARY DYSKINESIA, PRIMARY, 28, WITHOUT SITUS INVERSUS; CILIARY DYSKINESIA, PRIMARY, 28, WITH SITUS INVERSUS; Epilepsy, nocturnal frontal lobe, 5. Identifiers: Orphanet 98784, MedGen C3554306, MONDO:0014002, OMIM 615005.

Allele frequency attached by ClinVar (database versions not stated): gnomAD 0.00001; gnomAD exomes 0.00003; TOPMed 0.00006.
gnomAD v4.1: 43 of 1,612,826 alleles (0.0027%); highest among the groups gnomAD compares: South Asian, 0.0033%; no homozygotes.

Submissions (4):

Labcorp Genetics (formerly Invitae), Labcorp
Classification: Likely benign for Autosomal dominant nocturnal frontal lobe epilepsy 5; Developmental and epileptic encephalopathy, 14. Last evaluated: 2026-02-03. Review status: criteria provided, single submitter. Criteria: Invitae Variant Classification Sherloc (09022015). Collection method: clinical testing. Allele origin: germline.

Genome-Nilou Lab
Classification: Likely benign for Developmental and epileptic encephalopathy, 14. Last evaluated: 2022-03-15. Review status: criteria provided, single submitter. Criteria: ACMG Guidelines, 2015. Collection method: clinical testing. Allele origin: germline. Affected: no.

Genome-Nilou Lab
Classification: Likely benign for Autosomal dominant nocturnal frontal lobe epilepsy 5. Last evaluated: 2022-03-15. Review status: criteria provided, single submitter. Criteria: ACMG Guidelines, 2015. Collection method: clinical testing. Allele origin: germline. Affected: no.

GeneDx
Classification: Likely benign. Last evaluated: 2018-02-18. Review status: criteria provided, single submitter. Criteria: GeneDx Variant Classification (06012015). Collection method: clinical testing. Allele origin: germline. Affected: yes.
Comment: This variant is considered likely benign or benign based on one or more of the following criteria: it is a conservative change, it occurs at a poorly conserved position in the protein, it is predicted to be benign by multiple in silico algorithms, and/or has population frequency not consistent with disease.